The following is an entry in ClinVar:

NM_058216.3(RAD51C):c.345G>T (p.Val115=)

Gene: RAD51C (RAD51 paralog C; plus strand). Cytogenetic location: 17q22.
Variant type: single nucleotide variant.
Coding change: c.345G>T on transcript NM_058216.3 (MANE Select); coding-DNA position 345, G replaced by T.
Protein change: p.Val115=; no amino-acid change (valine 115 retained).
Molecular consequence: synonymous variant. On other transcripts: non-coding transcript variant (2).
Genome position (GRCh38, 1-based): chr17:58,695,130, G>T. VCF-style: chr17-58695130-G-T. GRCh37 (hg19) VCF-style: chr17-56772491-G-T.
Other names: c.345G>T, p.Val115= (NM_002876.4).
Identifiers: ClinVar variation 3903945 (VCV003903945.1).

ClinVar aggregate classification (germline): Benign (1 of 4 stars; one submission).

Conditions:
Breast-ovarian cancer, familial, susceptibility to, 3. Also called: RAD51C-Related Breast/Ovarian Cancer. Identifiers: Orphanet 145, MedGen C3150659, MONDO:0013253, OMIM 613399.

Submission:

Myriad Genetics, Inc.
Classification: Benign for Breast-ovarian cancer, familial, susceptibility to, 3. Last evaluated: 2025-02-14. Review status: criteria provided, single submitter. Criteria: Myriad Autosomal Dominant, Autosomal Recessive and X-Linked Classification Criteria (2023). Collection method: clinical testing. Allele origin: unknown.
Comment: This variant is considered benign. This variant is a silent/synonymous amino acid change and it is not expected to impact splicing.